The following is an entry in ClinVar:

ClinVar aggregate classification (germline): Uncertain significance. Review status: criteria provided, multiple submitters, no conflicts (2 of 4 stars). 2 submissions from 2 submitters: Uncertain significance (2). Last evaluated 2023-12-11.

Conditions:
Charcot-Marie-Tooth disease type 2. Also called: Charcot-Marie-Tooth type 2. Identifiers: Orphanet 64746, MedGen C0270914, MONDO:0018993.

Allele frequency attached by ClinVar (database versions not stated): gnomAD 0.00001; TOPMed below 0.00001; gnomAD exomes below 0.00001.
gnomAD v4.1: 3 of 1,614,114 alleles (0.00019%); highest among the groups gnomAD compares: Admixed American, 0.0017%; no homozygotes.

Submissions (2):

Labcorp Genetics (formerly Invitae), Labcorp
Classification: Uncertain significance for Charcot-Marie-Tooth disease type 2. Last evaluated: 2023-12-11. Review status: criteria provided, single submitter. Criteria: Invitae Variant Classification Sherloc (09022015). Collection method: clinical testing. Allele origin: germline.
Comment: This sequence change replaces leucine, which is neutral and non-polar, with phenylalanine, which is neutral and non-polar, at codon 720 of the KIF1B protein (p.Leu720Phe). This variant is present in population databases (no rsID available, gnomAD 0.0009%). This variant has not been reported in the literature in individuals affected with KIF1B-related conditions. ClinVar contains an entry for this variant (Variation ID: 2165453). Advanced modeling of protein sequence and biophysical properties (such as structural, functional, and spatial information, amino acid conservation, physicochemical variation, residue mobility, and thermodynamic stability) has been performed at Invitae for this missense variant, however the output from this modeling did not meet the statistical confidence thresholds required to predict the impact of this variant on KIF1B protein function. In summary, the available evidence is currently insufficient to determine the role of this variant in disease. Therefore, it has been classified as a Variant of Uncertain Significance.

Ambry Genetics
Classification: Uncertain significance. Last evaluated: 2022-12-09. Review status: criteria provided, single submitter. Criteria: Ambry Variant Classification Scheme 2023. Collection method: clinical testing. Allele origin: germline.
Comment: The p.L720F variant (also known as c.2158C>T), located in coding exon 21 of the KIF1B gene, results from a C to T substitution at nucleotide position 2158. The leucine at codon 720 is replaced by phenylalanine, an amino acid with highly similar properties. This amino acid position is conserved. In addition, this alteration is predicted to be deleterious by in silico analysis. Since supporting evidence is limited at this time, the clinical significance of this alteration remains unclear.

NM_001365951.3(KIF1B):c.2296C>T (p.Leu766Phe)

Gene: KIF1B (kinesin family member 1B; plus strand). Cytogenetic location: 1p36.22.
Variant type: single nucleotide variant.
Coding change: c.2296C>T on transcript NM_001365951.3 (MANE Select); coding-DNA position 2296, C replaced by T.
Protein change: p.Leu766Phe; replaces leucine 766 with phenylalanine.
Molecular consequence: missense variant.
Genome position (GRCh38, 1-based): chr1:10,321,795, C>T. VCF-style: chr1-10321795-C-T. GRCh37 (hg19) VCF-style: chr1-10381853-C-T.
Other names: c.2296C>T, p.Leu766Phe (NM_001365952.1); c.2158C>T, p.Leu720Phe (NM_015074.3); short protein forms L720F, L766F.
Identifiers: ClinVar variation 2165453 (VCV002165453.6), dbSNP rs1225030965, ClinGen allele CA338332959.
Genomic context (GRCh38, chr1:10,321,795, plus strand): 5'-TTGGCCCAATGGGCCTTCCGGAAATGGAAGTCTCATCAGTTTACTTCATTACGGGACTTA[C>T]TCTGGGGCAATGCCGTGTACCTAAAGGAGGCCAATGCCATCAGTGTGGAACTGAAAAAGA-3'
Protein context (NP_001352880.1, residues 756-776): SHQFTSLRDL[Leu766Phe]WGNAVYLKEA